The following is an entry in ClinVar:

NM_000059.4(BRCA2):c.2414C>T (p.Ser805Phe)

Gene: BRCA2 (BRCA2 DNA repair associated; plus strand). Cytogenetic location: 13q13.1.
Variant type: single nucleotide variant.
Coding change: c.2414C>T on transcript NM_000059.4 (MANE Select); coding-DNA position 2414, C replaced by T.
Protein change: p.Ser805Phe; replaces serine 805 with phenylalanine.
Molecular consequence: missense variant. On other transcripts: non-coding transcript variant (1), intron variant (2).
Genome position (GRCh38, 1-based): chr13:32,336,769, C>T. VCF-style: chr13-32336769-C-T. GRCh37 (hg19) VCF-style: chr13-32910906-C-T.
Other names: c.2414C>T, p.Ser805Phe (NM_001406719.1, NM_001406720.1); c.1909+3382C>T (NM_001406721.1); c.424+5739C>T (NM_001406722.1); short protein forms S805F.
Identifiers: ClinVar variation 2566040 (VCV002566040.2), dbSNP rs2137486208, ClinGen allele CA387772054.

ClinVar aggregate classification (germline): Uncertain significance (1 of 4 stars; one submission).

Conditions:
Hereditary cancer-predisposing syndrome. Also called: Neoplastic Syndromes, Hereditary; Hereditary Cancer Syndrome; Hereditary neoplastic syndrome; Tumor predisposition. Identifiers: Orphanet 140162, MedGen C0027672, MeSH D009386, MONDO:0015356.

Submission:

Ambry Genetics
Classification: Uncertain significance for Hereditary cancer-predisposing syndrome. Last evaluated: 2023-05-21. Review status: criteria provided, single submitter. Criteria: Ambry Variant Classification Scheme 2023. Collection method: clinical testing. Allele origin: germline.
Comment: The p.S805F variant (also known as c.2414C>T), located in coding exon 10 of the BRCA2 gene, results from a C to T substitution at nucleotide position 2414. The serine at codon 805 is replaced by phenylalanine, an amino acid with highly dissimilar properties. This amino acid position is conserved. In addition, this alteration is predicted to be tolerated by in silico analysis. Since supporting evidence is limited at this time, the clinical significance of this alteration remains unclear.